The following is an entry in ClinVar:

ClinVar aggregate classification (germline): Uncertain significance. Review status: criteria provided, multiple submitters, no conflicts (2 of 4 stars). 2 submissions from 2 submitters: Uncertain significance (2). Last evaluated 2020-09-24.

Conditions:
Dilated cardiomyopathy 1DD (CMD1DD). Identifiers: Orphanet 154, MedGen C2750995, MONDO:0013168, OMIM 613172.
Cardiomyopathy (CMYO). Also called: Cardiomyopathies. Identifiers: Orphanet 167848, MedGen C0878544, MONDO:0004994, HP:0001638. Inheritance: Various modes of inheritance.

Submissions (2):

Labcorp Genetics (formerly Invitae), Labcorp
Classification: Uncertain significance for Dilated cardiomyopathy 1DD. Last evaluated: 2020-09-24. Review status: criteria provided, single submitter. Criteria: Invitae Variant Classification Sherloc (09022015). Collection method: clinical testing. Allele origin: germline.
Comment: This sequence change replaces alanine with serine at codon 691 of the RBM20 protein (p.Ala691Ser). The alanine residue is weakly conserved and there is a moderate physicochemical difference between alanine and serine. This variant is not present in population databases (ExAC no frequency). This variant has not been reported in the literature in individuals with RBM20-related conditions. Advanced modeling of protein sequence and biophysical properties (such as structural, functional, and spatial information, amino acid conservation, physicochemical variation, residue mobility, and thermodynamic stability) performed at Invitae indicates that this missense variant is not expected to disrupt RBM20 protein function. In summary, the available evidence is currently insufficient to determine the role of this variant in disease. Therefore, it has been classified as a Variant of Uncertain Significance.

CHEO Genetics Diagnostic Laboratory, Children's Hospital of Eastern Ontario
Classification: Uncertain significance for Cardiomyopathy. Last evaluated: 2019-08-26. Review status: criteria provided, single submitter. Criteria: ACMG Guidelines, 2015. Collection method: clinical testing. Allele origin: germline.

NM_001134363.3(RBM20):c.2071G>T (p.Ala691Ser)

Gene: RBM20 (RNA binding motif protein 20; plus strand). Cytogenetic location: 10q25.2.
Variant type: single nucleotide variant.
Coding change: c.2071G>T on transcript NM_001134363.3 (MANE Select); coding-DNA position 2071, G replaced by T.
Protein change: p.Ala691Ser; replaces alanine 691 with serine.
Molecular consequence: missense variant.
Genome position (GRCh38, 1-based): chr10:110,812,468, G>T. VCF-style: chr10-110812468-G-T. GRCh37 (hg19) VCF-style: chr10-112572226-G-T.
Other names: short protein forms A691S.
Identifiers: ClinVar variation 1043846 (VCV001043846.10), dbSNP rs1844782261, ClinGen allele CA378371310.